The following is an entry in ClinVar:

ClinVar aggregate classification (germline): Uncertain significance. Review status: criteria provided, multiple submitters, no conflicts (2 of 4 stars). 7 submissions from 7 submitters: Uncertain significance (6). 1 of the submissions does not count toward it. Last evaluated 2026-01-26.

Conditions:
Cardiovascular phenotype. Identifiers: MedGen CN230736.
Hereditary cancer-predisposing syndrome. Also called: Hereditary neoplastic syndrome; Neoplastic Syndromes, Hereditary; Hereditary Cancer Syndrome; Tumor predisposition. Identifiers: Orphanet 140162, MedGen C0027672, MeSH D009386, MONDO:0015356.
Noonan syndrome and Noonan-related syndrome. Identifiers: Orphanet 98733, MedGen C5681679, MONDO:0020297.
LZTR1-related disorder. Also called: LZTR1-related disorders; LZTR1-related condition.

Allele frequency attached by ClinVar (database versions not stated): gnomAD 0.00002; ExAC 0.00001; TOPMed 0.00001; gnomAD exomes 0.00002.
gnomAD v4.1: 14 of 1,613,132 alleles (0.00087%); highest among the groups gnomAD compares: Admixed American, 0.005%; no homozygotes.

Submissions (7):

Labcorp Genetics (formerly Invitae), Labcorp
Classification: Uncertain significance. Last evaluated: 2026-01-26. Review status: criteria provided, single submitter. Criteria: Invitae Variant Classification Sherloc (09022015). Collection method: clinical testing. Allele origin: germline.
Comment: This sequence change replaces histidine, which is basic and polar, with asparagine, which is neutral and polar, at codon 676 of the LZTR1 protein (p.His676Asn). This variant is present in population databases (rs756293448, gnomAD 0.006%). This variant has not been reported in the literature in individuals affected with LZTR1-related conditions. ClinVar contains an entry for this variant (Variation ID: 971543). Invitae Evidence Modeling of protein sequence and biophysical properties (such as structural, functional, and spatial information, amino acid conservation, physicochemical variation, residue mobility, and thermodynamic stability) indicates that this missense variant is not expected to disrupt LZTR1 protein function with a negative predictive value of 80%. In summary, the available evidence is currently insufficient to determine the role of this variant in disease. Therefore, it has been classified as a Variant of Uncertain Significance.

Ambry Genetics
Classification: Uncertain significance for Cardiovascular phenotype; Hereditary cancer-predisposing syndrome. Last evaluated: 2025-03-25. Review status: criteria provided, single submitter. Criteria: Ambry Variant Classification Scheme 2023. Collection method: clinical testing. Allele origin: germline.
Comment: The p.H676N variant (also known as c.2026C>A), located in coding exon 17 of the LZTR1 gene, results from a C to A substitution at nucleotide position 2026. The histidine at codon 676 is replaced by asparagine, an amino acid with similar properties. This amino acid position is well conserved in available vertebrate species. In addition, this alteration is predicted to be tolerated by in silico analysis. Based on the available evidence, the clinical significance of this variant remains unclear.

Mayo Clinic Laboratories, Mayo Clinic
Classification: Uncertain significance. Last evaluated: 2025-03-05. Review status: criteria provided, single submitter. Criteria: ACMG Guidelines, 2015. Collection method: clinical testing. Allele origin: germline. Observed: 1 variant allele.
Comment: BP4_moderate

Blueprint Genetics
Classification: Uncertain significance. Last evaluated: 2024-09-10. Review status: criteria provided, single submitter. Criteria: ACMG Guidelines, 2015. Collection method: clinical testing. Allele origin: germline.

GeneDx
Classification: Uncertain significance. Last evaluated: 2024-01-16. Review status: criteria provided, single submitter. Criteria: GeneDx Variant Classification Process June 2021. Collection method: clinical testing. Allele origin: germline. Affected: yes.
Comment: Not observed at significant frequency in large population cohorts (gnomAD); In silico analysis supports that this missense variant does not alter protein structure/function; Has not been previously published as pathogenic or benign to our knowledge

Genome Diagnostics Laboratory, The Hospital for Sick Children
Classification: Uncertain significance for Noonan syndrome and Noonan-related syndrome. Last evaluated: 2021-02-04. Review status: criteria provided, single submitter. Criteria: ACMG Guidelines, 2015. Collection method: clinical testing. Allele origin: germline.

PreventionGenetics, part of Exact Sciences
Classification: Uncertain significance for LZTR1-related condition. Last evaluated: 2024-05-03. Review status: no assertion criteria provided. Collection method: clinical testing. Allele origin: germline. Not counted in ClinVar's aggregate classification.
Comment: The LZTR1 c.2026C>A variant is predicted to result in the amino acid substitution p.His676Asn. To our knowledge, this variant has not been reported in the literature. This variant is reported in 0.0056% of alleles in individuals of Latino descent in gnomAD and is interpreted as uncertain in ClinVar. At this time, the clinical significance of this variant is uncertain due to the absence of conclusive functional and genetic evidence.

NM_006767.4(LZTR1):c.2026C>A (p.His676Asn)

Gene: LZTR1 (leucine zipper like post translational regulator 1; plus strand). Cytogenetic location: 22q11.21.
Variant type: single nucleotide variant.
Coding change: c.2026C>A on transcript NM_006767.4 (MANE Select); coding-DNA position 2026, C replaced by A.
Protein change: p.His676Asn; replaces histidine 676 with asparagine.
Molecular consequence: missense variant.
Genome position (GRCh38, 1-based): chr22:20,995,829, C>A. VCF-style: chr22-20995829-C-A. GRCh37 (hg19) VCF-style: chr22-21350118-C-A.
Other names: p.His676Asn; short protein forms H676N.
Identifiers: ClinVar variation 971543 (VCV000971543.20), dbSNP rs756293448, ClinGen allele CA10119202.